The following is an entry in ClinVar:

ClinVar aggregate classification (germline): Uncertain significance. Review status: criteria provided, multiple submitters, no conflicts (2 of 4 stars). 2 submissions from 2 submitters: Uncertain significance (2). Last evaluated 2024-01-22.

Conditions:
Colorectal cancer. Also called: Colorectal cancer, somatic; Malignant Colorectal Neoplasm. Identifiers: MedGen C0346629, MONDO:0005575, OMIM 114500.
Endometrial carcinoma. Also called: Endometrial carcinoma, somatic. Identifiers: MedGen C0476089, MONDO:0002447, OMIM 608089, HP:0012114.
Colorectal cancer, hereditary nonpolyposis, type 7. Identifiers: Orphanet 144, MedGen C1858380, MONDO:0013725, OMIM 614385.

Allele frequency attached by ClinVar (database versions not stated): gnomAD exomes below 0.00001; TOPMed 0.00001.
gnomAD v4.1: 5 of 1,614,232 alleles (0.00031%); highest among the groups gnomAD compares: African/African-American, 0.004%; no homozygotes.

Submissions (2):

Fulgent Genetics
Classification: Uncertain significance for Colorectal cancer; Endometrial carcinoma; Colorectal cancer, hereditary nonpolyposis, type 7. Last evaluated: 2024-01-22. Review status: criteria provided, single submitter. Criteria: ACMG Guidelines, 2015. Collection method: clinical testing. Allele origin: germline.

Ambry Genetics
Classification: Uncertain significance. Last evaluated: 2022-03-24. Review status: criteria provided, single submitter. Criteria: Ambry Variant Classification Scheme 2023. Collection method: clinical testing. Allele origin: germline.
Comment: The p.T959A variant (also known as c.2875A>G), located in coding exon 1 of the MLH3 gene, results from an A to G substitution at nucleotide position 2875. The threonine at codon 959 is replaced by alanine, an amino acid with similar properties. This amino acid position is conserved. In addition, this alteration is predicted to be tolerated by in silico analysis. Since supporting evidence is limited at this time, the clinical significance of this alteration remains unclear.

NM_001040108.2(MLH3):c.2875A>G (p.Thr959Ala)

Gene: MLH3 (mutL homolog 3; minus strand). Cytogenetic location: 14q24.3.
Variant type: single nucleotide variant.
Coding change: c.2875A>G on transcript NM_001040108.2 (MANE Select); coding-DNA position 2875, A replaced by G.
Protein change: p.Thr959Ala; replaces threonine 959 with alanine.
Molecular consequence: missense variant.
Genome position (GRCh38, 1-based): chr14:75,046,781, T>C on the plus strand (A>G on the coding strand, the complement: MLH3 is on the minus strand). VCF-style: chr14-75046781-T-C. GRCh37 (hg19) VCF-style: chr14-75513484-T-C.
Other names: c.2875A>G, p.Thr959Ala (NM_014381.3); short protein forms T959A.
Identifiers: ClinVar variation 1797090 (VCV001797090.3), dbSNP rs1477578386, ClinGen allele CA390437858.
Genomic context (GRCh38, chr14:75,046,781, plus strand): 5'-CTTTAGAATTATTATAGGGCAATACCAAAGGAGTTTCTGATATCACACAGTTCTCTGTTG[T>C]ATTGCTGTTAGAATGTGTTTTACTATTTTTATTAAAGGAATTATCCTGTGTGGCAGAATC-3'
Protein context (NP_001035197.1, residues 949-969): KNSKTHSNSN[Thr959Ala]TENCVISETP